The following is an entry in ClinVar:

ClinVar aggregate classification (germline): Benign (1 of 4 stars; one submission).

Allele frequency attached by ClinVar (database versions not stated): gnomAD 0.06671 and 0.06835; TOPMed 0.07269; 1000 Genomes Project 0.08147; 1000 Genomes Project 30x 0.08479.
gnomAD v4.1: 10,138 of 152,090 alleles (6.7%); highest among the groups gnomAD compares: African/African-American, 13%; 474 homozygotes.

Submission:

GeneDx
Classification: Benign. Last evaluated: 2018-06-19. Review status: criteria provided, single submitter. Criteria: GeneDx Variant Classification (06012015). Collection method: clinical testing. Allele origin: germline. Affected: yes.
Comment: This variant is considered likely benign or benign based on one or more of the following criteria: it is a conservative change, it occurs at a poorly conserved position in the protein, it is predicted to be benign by multiple in silico algorithms, and/or has population frequency not consistent with disease.

NM_014141.6(CNTNAP2):c.98-279C>A

Gene: CNTNAP2 (contactin associated protein 2; plus strand). Cytogenetic location: 7q35.
Variant type: single nucleotide variant.
Coding change: c.98-279C>A on transcript NM_014141.6 (MANE Select); 279 bases into the intron before coding-DNA position 98, C replaced by A.
Molecular consequence: intron variant.
Genome position (GRCh38, 1-based): chr7:146,773,992, C>A. VCF-style: chr7-146773992-C-A. GRCh37 (hg19) VCF-style: chr7-146471084-C-A.
Identifiers: ClinVar variation 668784 (VCV000668784.1), dbSNP rs73170322, ClinGen allele CA168644310.